The following is an entry in ClinVar:

ClinVar aggregate classification (germline): Uncertain significance. Review status: criteria provided, multiple submitters, no conflicts (2 of 4 stars). 2 submissions from 2 submitters: Uncertain significance (2). Last evaluated 2025-12-03.

Conditions:
Inborn genetic diseases. Identifiers: MedGen C0950123, MeSH D030342.

Allele frequency attached by ClinVar (database versions not stated): gnomAD exomes below 0.00001 and 0.00001; ExAC 0.00001; gnomAD 0.00001; TOPMed 0.00001.
gnomAD v4.1: 8 of 1,614,064 alleles (0.0005%); highest among the groups gnomAD compares: Non-Finnish European, 0.00068%; no homozygotes.

Submissions (2):

Labcorp Genetics (formerly Invitae), Labcorp
Classification: Uncertain significance. Last evaluated: 2025-12-03. Review status: criteria provided, single submitter. Criteria: Invitae Variant Classification Sherloc (09022015). Collection method: clinical testing. Allele origin: germline.
Comment: This sequence change replaces histidine, which is basic and polar, with arginine, which is basic and polar, at codon 510 of the JAK1 protein (p.His510Arg). This variant is present in population databases (rs747839270, gnomAD 0.002%). This variant has not been reported in the literature in individuals affected with JAK1-related conditions. ClinVar contains an entry for this variant (Variation ID: 1399754). Invitae Evidence Modeling of protein sequence and biophysical properties (such as structural, functional, and spatial information, amino acid conservation, physicochemical variation, residue mobility, and thermodynamic stability) indicates that this missense variant is not expected to disrupt JAK1 protein function with a negative predictive value of 80%. In summary, the available evidence is currently insufficient to determine the role of this variant in disease. Therefore, it has been classified as a Variant of Uncertain Significance.

Ambry Genetics
Classification: Uncertain significance for Inborn genetic diseases. Last evaluated: 2024-04-15. Review status: criteria provided, single submitter. Criteria: Ambry Variant Classification Scheme 2023. Collection method: clinical testing. Allele origin: germline.

NM_002227.4(JAK1):c.1529A>G (p.His510Arg)

Gene: JAK1 (Janus kinase 1; minus strand). Cytogenetic location: 1p31.3.
Variant type: single nucleotide variant.
Coding change: c.1529A>G on transcript NM_002227.4 (MANE Select); coding-DNA position 1529, A replaced by G.
Protein change: p.His510Arg; replaces histidine 510 with arginine.
Molecular consequence: missense variant.
Genome position (GRCh38, 1-based): chr1:64,855,628, T>C on the plus strand (A>G on the coding strand, the complement: JAK1 is on the minus strand). VCF-style: chr1-64855628-T-C. GRCh37 (hg19) VCF-style: chr1-65321311-T-C.
Other names: c.1529A>G (NM_002227.2); c.1529A>G, p.His510Arg (NM_001320923.2, NM_001321852.2, NM_001321853.2 and 3 more transcripts); c.1526A>G, p.His509Arg (NM_001321857.2); short protein forms H510R, H509R.
Identifiers: ClinVar variation 1399754 (VCV001399754.7), dbSNP rs747839270, ClinGen allele CA892905.
Genomic context (GRCh38, chr1:64,855,628, plus strand): 5'-ATCTGCTTCTTGAGGTGGCTCATGAGGTCTCCCAAGCTGGGGAAGCTGCGGTCCGAACCG[T>C]GCAGACTGTAGCGGCCCTTCTGCACCTCGATCTGAAAGTTCTTGAACTGCTTCTGGGCAC-3'
Protein context (NP_002218.2, residues 500-520): IEVQKGRYSL[His510Arg]GSDRSFPSLG